The following is an entry in ClinVar:

ClinVar aggregate classification (germline): Conflicting classifications of pathogenicity. Review status: criteria provided, conflicting classifications (1 of 4 stars). 2 submissions from 2 submitters: Uncertain significance (1); Likely benign (1). Last evaluated 2022-11-01.

Conditions:
Inborn genetic diseases. Identifiers: MedGen C0950123, MeSH D030342.

Allele frequency attached by ClinVar (database versions not stated): gnomAD exomes 0.00018; gnomAD 0.00023; TOPMed 0.00023; ExAC 0.00234.
gnomAD v4.1: 224 of 1,099,551 alleles (0.02%); highest among the groups gnomAD compares: Non-Finnish European, 0.0049%; 2 homozygotes.

Submissions (2):

CeGaT Center for Human Genetics Tuebingen
Classification: Likely benign. Last evaluated: 2022-11-01. Review status: criteria provided, single submitter. Criteria: CeGaT Center For Human Genetics Tuebingen Variant Classification Criteria Version 2. Collection method: clinical testing. Allele origin: germline. Affected: yes. Observed: 1 variant allele.
Comment: OTUD5: PP2, PP3, BS2

Ambry Genetics
Classification: Uncertain significance for Inborn genetic diseases. Last evaluated: 2021-08-12. Review status: criteria provided, single submitter. Criteria: Ambry Variant Classification Scheme 2023. Collection method: clinical testing. Allele origin: germline.

NM_001136157.2(OTUD5):c.314G>C (p.Gly105Ala)

Genes: OTUD5 (OTU deubiquitinase 5; minus strand), LOC130068266 (ATAC-STARR-seq lymphoblastoid silent region 20828; plus strand). Cytogenetic location: Xp11.23.
Variant type: single nucleotide variant.
Coding change: c.314G>C on transcript NM_001136157.2 (MANE Select); coding-DNA position 314, G replaced by C.
Protein change: p.Gly105Ala; replaces glycine 105 with alanine.
Molecular consequence: missense variant. On other transcripts: intron variant (1).
Genome position (GRCh38, 1-based): chrX:48,957,257, C>G on the plus strand (G>C on the coding strand, the complement: OTUD5 is on the minus strand). VCF-style: chrX-48957257-C-G. GRCh37 (hg19) VCF-style: chrX-48814519-C-G.
Other names: c.314G>C, p.Gly105Ala (NM_001136158.2, NM_017602.4); c.-58+975G>C (NM_001136159.2); short protein forms G105A.
Identifiers: ClinVar variation 2359989 (VCV002359989.26), dbSNP rs782695409, ClinGen allele CA10406615.